The following is an entry in ClinVar:

ClinVar aggregate classification (germline): Uncertain significance (1 of 4 stars; one submission).

Submission:

Labcorp Genetics (formerly Invitae), Labcorp
Classification: Uncertain significance. Last evaluated: 2025-08-30. Review status: criteria provided, single submitter. Criteria: Invitae Variant Classification Sherloc (09022015). Collection method: clinical testing. Allele origin: germline.
Comment: This sequence change replaces lysine, which is basic and polar, with asparagine, which is neutral and polar, at codon 1057 of the ATR protein (p.Lys1057Asn). This variant also falls at the last nucleotide of exon 15, which is part of the consensus splice site for this exon. This variant is not present in population databases (gnomAD no frequency). This variant has not been reported in the literature in individuals affected with ATR-related conditions. An algorithm developed to predict the effect of missense changes on protein structure and function (PolyPhen-2) suggests that this variant is likely to be tolerated. Variants that disrupt the consensus splice site are a relatively common cause of aberrant splicing (PMID: 17576681, 9536098). Algorithms developed to predict the effect of sequence changes on RNA splicing suggest that this variant may disrupt the consensus splice site. In summary, the available evidence is currently insufficient to determine the role of this variant in disease. Therefore, it has been classified as a Variant of Uncertain Significance.

Literature cited by the submitters: PubMed 17576681; PubMed 9536098.

NM_001184.4(ATR):c.3171G>T (p.Lys1057Asn)

Gene: ATR (ATR checkpoint kinase; minus strand). Cytogenetic location: 3q23.
Variant type: single nucleotide variant.
Coding change: c.3171G>T on transcript NM_001184.4 (MANE Select); coding-DNA position 3171, G replaced by T.
Protein change: p.Lys1057Asn; replaces lysine 1057 with asparagine.
Molecular consequence: missense variant.
Genome position (GRCh38, 1-based): chr3:142,549,479, C>A on the plus strand (G>T on the coding strand, the complement: ATR is on the minus strand). VCF-style: chr3-142549479-C-A. GRCh37 (hg19) VCF-style: chr3-142268321-C-A.
Other names: c.2979G>T, p.Lys993Asn (NM_001354579.2); short protein forms K993N, K1057N.
Identifiers: ClinVar variation 4726320 (VCV004726320.1).